The following is an entry in ClinVar:

ClinVar aggregate classification (germline): Likely benign. Review status: criteria provided, single submitter (1 of 4 stars). 2 submissions from 2 submitters: Likely benign (1). 1 of the submissions does not count toward it. Last evaluated 2024-07-01.

Conditions:
CXCR1-related disorder. Also called: CXCR1-related condition.

Allele frequency attached by ClinVar (database versions not stated): gnomAD 0.00064; ExAC 0.00073; ESP Exome Variant Server 0.00100.

Submissions (2):

CeGaT Center for Human Genetics Tuebingen
Classification: Likely benign. Last evaluated: 2024-07-01. Review status: criteria provided, single submitter. Criteria: CeGaT Center For Human Genetics Tuebingen Variant Classification Criteria Version 2. Collection method: clinical testing. Allele origin: germline. Affected: yes. Observed: 1 variant allele.
Comment: CXCR1: BP4, BS2

PreventionGenetics, part of Exact Sciences
Classification: Likely benign for CXCR1-related condition. Last evaluated: 2020-06-15. Review status: no assertion criteria provided. Collection method: clinical testing. Allele origin: germline. Not counted in ClinVar's aggregate classification.
Comment: This variant is classified as likely benign based on ACMG/AMP sequence variant interpretation guidelines (Richards et al. 2015 PMID: 25741868, with internal and published modifications).

NM_000634.3(CXCR1):c.938G>A (p.Arg313His)

Gene: CXCR1 (C-X-C motif chemokine receptor 1; minus strand). Cytogenetic location: 2q35.
Variant type: single nucleotide variant.
Coding change: c.938G>A on transcript NM_000634.3 (MANE Select); coding-DNA position 938, G replaced by A.
Protein change: p.Arg313His; replaces arginine 313 with histidine.
Molecular consequence: missense variant.
Genome position (GRCh38, 1-based): chr2:218,164,274, C>T on the plus strand (G>A on the coding strand, the complement: CXCR1 is on the minus strand). VCF-style: chr2-218164274-C-T. GRCh37 (hg19) VCF-style: chr2-219028997-C-T.
Other names: short protein forms R313H.
Identifiers: ClinVar variation 3039805 (VCV003039805.18), dbSNP rs61752206, ClinGen allele CA2101904.
Genomic context (GRCh38, chr2:218,164,274, plus strand): 5'-CGTGCCAAGAACTCCTTGCTGACCAGGCCATGCATAGCCAGGATCTTGAGGAATCCATGG[C>T]GAAAATTTTGGCCGATGAAGGCGTAGATGATGGGGTTGAGGCAGCTATGGAGAAATCCCA-3'
Protein context (NP_000625.1, residues 303-323): IIYAFIGQNF[Arg313His]HGFLKILAMH